The following is an entry in ClinVar:

ClinVar aggregate classification (germline): Uncertain significance (1 of 4 stars; one submission).

Allele frequency attached by ClinVar (database versions not stated): gnomAD exomes below 0.00001.
gnomAD v4.1: 2 of 1,614,058 alleles (0.00012%); highest among the groups gnomAD compares: Non-Finnish European, 0.00017%; no homozygotes.

Submission:

Labcorp Genetics (formerly Invitae), Labcorp
Classification: Uncertain significance. Last evaluated: 2023-08-14. Review status: criteria provided, single submitter. Criteria: Invitae Variant Classification Sherloc (09022015). Collection method: clinical testing. Allele origin: germline.
Comment: This variant is not present in population databases (gnomAD no frequency). This sequence change replaces aspartic acid, which is acidic and polar, with glycine, which is neutral and non-polar, at codon 35 of the NIN protein (p.Asp35Gly). This variant has not been reported in the literature in individuals affected with NIN-related conditions. In summary, the available evidence is currently insufficient to determine the role of this variant in disease. Therefore, it has been classified as a Variant of Uncertain Significance. An algorithm developed to predict the effect of missense changes on protein structure and function (PolyPhen-2) suggests that this variant is likely to be disruptive.

NM_020921.4(NIN):c.104A>G (p.Asp35Gly)

Genes: NIN (ninein; minus strand), LOC105370489 (uncharacterized LOC105370489; plus strand). Cytogenetic location: 14q22.1.
Variant type: single nucleotide variant.
Coding change: c.104A>G on transcript NM_020921.4 (MANE Select); coding-DNA position 104, A replaced by G.
Protein change: p.Asp35Gly; replaces aspartic acid 35 with glycine.
Molecular consequence: missense variant.
Genome position (GRCh38, 1-based): chr14:50,821,953, T>C on the plus strand (A>G on the coding strand, the complement: NIN is on the minus strand). VCF-style: chr14-50821953-T-C. GRCh37 (hg19) VCF-style: chr14-51288671-T-C.
Other names: c.104A>G, p.Asp35Gly (NM_016350.5, NM_182944.3, NM_182946.2); short protein forms D35G.
Identifiers: ClinVar variation 3022167 (VCV003022167.3), dbSNP rs2045241984, ClinGen allele CA389684702.